The following is an entry in ClinVar:

NM_015178.3(RHOBTB2):c.189G>A (p.Gln63=)

Gene: RHOBTB2 (Rho related BTB domain containing 2; plus strand). Cytogenetic location: 8p21.3.
Variant type: single nucleotide variant.
Coding change: c.189G>A on transcript NM_015178.3 (MANE Select); coding-DNA position 189, G replaced by A.
Protein change: p.Gln63=; no amino-acid change (glutamine 63 retained).
Molecular consequence: synonymous variant.
Genome position (GRCh38, 1-based): chr8:23,004,623, G>A. VCF-style: chr8-23004623-G-A. GRCh37 (hg19) VCF-style: chr8-22862136-G-A.
Other names: c.255G>A, p.Gln85= (NM_001160036.2); c.210G>A, p.Gln70= (NM_001160037.2); c.189G>A, p.Gln63= (NM_001374791.1).
Identifiers: ClinVar variation 4873122 (VCV004873122.2).

ClinVar aggregate classification (germline): Likely benign (1 of 4 stars; one submission).

Submission:

CeGaT Center for Human Genetics Tuebingen
Classification: Likely benign. Last evaluated: 2026-05-01. Review status: criteria provided, single submitter. Criteria: CeGaT Center For Human Genetics Tuebingen Variant Classification Criteria Version 2. Collection method: clinical testing. Allele origin: germline. Affected: yes. Observed: 1 variant allele.
Comment: RHOBTB2: PM2:Supporting, BP4, BP7